The following is an entry in ClinVar:

ClinVar aggregate classification (germline): Likely benign. Review status: criteria provided, single submitter (1 of 4 stars). 4 submissions from 4 submitters: Likely benign (1). 3 of the submissions do not count toward it.

Conditions:
SHROOM3-related disorder. Also called: SHROOM3-related condition.

Allele frequency attached by ClinVar (database versions not stated): gnomAD 0.01173 and 0.01108; ESP Exome Variant Server 0.01223; gnomAD exomes 0.01465 and 0.01164; 1000 Genomes Project 0.00659; 1000 Genomes Project 30x 0.00796; TOPMed 0.01115; ExAC 0.01153.
gnomAD v4.1: 23,179 of 1,614,204 alleles (1.4%); highest among the groups gnomAD compares: Middle Eastern, 3.1%; 183 homozygotes.

Submissions (4):

Breakthrough Genomics
Classification: Likely benign. Review status: criteria provided, single submitter. Criteria: ACMG Guidelines, 2015. Collection method: not provided. Allele origin: germline. Inheritance: Unknown mechanism. Affected: yes.

PreventionGenetics, part of Exact Sciences
Classification: Likely benign for SHROOM3-related condition. Last evaluated: 2019-04-15. Review status: no assertion criteria provided. Collection method: clinical testing. Allele origin: germline. Not counted in ClinVar's aggregate classification.
Comment: This variant is classified as likely benign based on ACMG/AMP sequence variant interpretation guidelines (Richards et al. 2015 PMID: 25741868, with internal and published modifications).

Joint Genome Diagnostic Labs from Nijmegen and Maastricht, Radboudumc and MUMC+
Classification: Likely benign. Review status: no assertion criteria provided. Collection method: clinical testing. Allele origin: germline. Affected: yes. Study: VKGL Data-share Consensus. Not counted in ClinVar's aggregate classification.

Laboratory of Diagnostic Genome Analysis, Leiden University Medical Center (LUMC)
Classification: Likely benign. Review status: no assertion criteria provided. Collection method: clinical testing. Allele origin: germline. Affected: yes. Study: VKGL Data-share Consensus. Not counted in ClinVar's aggregate classification.

NM_020859.4(SHROOM3):c.1691A>C (p.Glu564Ala)

Genes: SHROOM3 (shroom family member 3; plus strand), SHROOM3-AS1 (SHROOM3 antisense RNA 1; minus strand). Cytogenetic location: 4q21.1.
Variant type: single nucleotide variant.
Coding change: c.1691A>C on transcript NM_020859.4 (MANE Select); coding-DNA position 1691, A replaced by C.
Protein change: p.Glu564Ala; replaces glutamic acid 564 with alanine.
Molecular consequence: missense variant.
Genome position (GRCh38, 1-based): chr4:76,739,864, A>C. VCF-style: chr4-76739864-A-C. GRCh37 (hg19) VCF-style: chr4-77661017-A-C.
Other names: c.1691A>C (NM_020859.3); short protein forms E564A.
Identifiers: ClinVar variation 1205919 (VCV001205919.6), dbSNP rs76656494, ClinGen allele CA2972394.